The following is an entry in ClinVar:

ClinVar aggregate classification (germline): Uncertain significance (1 of 4 stars; one submission).

Submission:

Labcorp Genetics (formerly Invitae), Labcorp
Classification: Uncertain significance. Last evaluated: 2024-10-16. Review status: criteria provided, single submitter. Criteria: Invitae Variant Classification Sherloc (09022015). Collection method: clinical testing. Allele origin: germline.
Comment: This sequence change replaces valine, which is neutral and non-polar, with leucine, which is neutral and non-polar, at codon 251 of the CTNNB1 protein (p.Val251Leu). This variant is not present in population databases (gnomAD no frequency). This variant has not been reported in the literature in individuals affected with CTNNB1-related conditions. ClinVar contains an entry for this variant (Variation ID: 1406612). Invitae Evidence Modeling of protein sequence and biophysical properties (such as structural, functional, and spatial information, amino acid conservation, physicochemical variation, residue mobility, and thermodynamic stability) indicates that this missense variant is expected to disrupt CTNNB1 protein function with a positive predictive value of 80%. In summary, the available evidence is currently insufficient to determine the role of this variant in disease. Therefore, it has been classified as a Variant of Uncertain Significance.

NM_001904.4(CTNNB1):c.751G>C (p.Val251Leu)

Gene: CTNNB1 (catenin beta 1; plus strand). Cytogenetic location: 3p22.1.
Variant type: single nucleotide variant.
Coding change: c.751G>C on transcript NM_001904.4 (MANE Select); coding-DNA position 751, G replaced by C.
Protein change: p.Val251Leu; replaces valine 251 with leucine.
Molecular consequence: missense variant.
Genome position (GRCh38, 1-based): chr3:41,225,676, G>C. VCF-style: chr3-41225676-G-C. GRCh37 (hg19) VCF-style: chr3-41267167-G-C.
Other names: c.751G>C, p.Val251Leu (NM_001098209.2, NM_001098210.2); c.730G>C, p.Val244Leu (NM_001330729.2); short protein forms V244L, V251L.
Identifiers: ClinVar variation 1406612 (VCV001406612.8), dbSNP rs2078159064, ClinGen allele CA352230059.